The following is an entry in ClinVar:

NM_014018.3(MRPS28):c.317A>C (p.His106Pro)

Genes: MRPS28 (mitochondrial ribosomal protein S28; minus strand), TPD52-MRPS28 (TPD52-MRPS28 readthrough; minus strand). Cytogenetic location: 8q21.13.
Variant type: single nucleotide variant.
Coding change: c.317A>C on transcript NM_014018.3 (MANE Select); coding-DNA position 317, A replaced by C.
Protein change: p.His106Pro; replaces histidine 106 with proline.
Molecular consequence: missense variant.
Genome position (GRCh38, 1-based): chr8:80,003,077, T>G on the plus strand (A>C on the coding strand, the complement: MRPS28 is on the minus strand). VCF-style: chr8-80003077-T-G. GRCh37 (hg19) VCF-style: chr8-80915312-T-G.
Other names: c.539A>C, p.His180Pro (NM_001387778.1); short protein forms H106P, H180P.
Identifiers: ClinVar variation 3345299 (VCV003345299.1).

ClinVar aggregate classification (germline): Uncertain significance (0 of 4 stars; one submission).

Conditions:
MRPS28-related disorder. Also called: MRPS28-related condition.

gnomAD v4.1: 1 of 1,613,750 alleles (0.000062%); highest among the groups gnomAD compares: Non-Finnish European, 0.000085%; no homozygotes.

Submission:

PreventionGenetics, part of Exact Sciences
Classification: Uncertain significance for MRPS28-related condition. Last evaluated: 2024-08-30. Review status: no assertion criteria provided. Collection method: clinical testing. Allele origin: germline.
Comment: The MRPS28 c.317A>C variant is predicted to result in the amino acid substitution p.His106Pro. To our knowledge, this variant has not been reported in the literature or in a large population database, indicating this variant is rare. At this time, the clinical significance of this variant is uncertain due to the absence of conclusive functional and genetic evidence.